The following is an entry in ClinVar:

ClinVar aggregate classification (germline): Uncertain significance (1 of 4 stars; one submission).

Submission:

GeneDx
Classification: Uncertain significance. Last evaluated: 2025-06-23. Review status: criteria provided, single submitter. Criteria: GeneDx Variant Classification Process June 2021. Collection method: clinical testing. Allele origin: germline. Affected: yes.
Comment: Not observed at significant frequency in large population cohorts (gnomAD); In-frame deletion of 1 amino acid(s) in a non-repeat region; In silico analysis suggests that this variant does not alter protein structure/function; Has not been previously published as pathogenic or benign to our knowledge

NM_002971.6(SATB1):c.1062_1064del (p.Ser354del)

Gene: SATB1 (SATB homeobox 1; minus strand). Cytogenetic location: 3p24.3.
Variant type: Deletion.
Coding change: c.1062_1064del on transcript NM_002971.6 (MANE Select); coding-DNA positions 1062 to 1064, 3 bases deleted (TAG; older notation c.1062_1064delTAG).
Protein change: p.Ser354del; deletes serine 354.
Genome position (GRCh38, 1-based): chr3:18,394,604-18,394,606, CTA deleted on the plus strand (TAG on the coding strand, the reverse complement: SATB1 is on the minus strand); deleting any 3 consecutive bases within chr3:18,394,604-18,394,608 gives the same sequence; the c. name uses the placement nearest the transcript's 3' end. VCF-style (leftmost placement, unchanged base first): chr3-18394603-TCTA-T. GRCh37 (hg19) VCF-style: chr3-18436095-TCTA-T.
Other names: c.1062_1064del, p.Ser354del (NM_001131010.4, NM_001195470.3, NM_001322871.2 and 4 more transcripts); c.846_848del, p.Ser282del (NM_001322876.2); short protein forms S282del, S354del.
Identifiers: ClinVar variation 4540124 (VCV004540124.1).
Genomic context (GRCh38, chr3:18,394,603, plus strand): 5'-GATTTCGGAAGACACCTCTGTGTTGGTCGAAACCTGTTGCTCCAAAGGCTTATTCATAGA[TCTA>T]CTGACAGGGGGAGGGTGGTTCAAGTATTGTTGGTTTAAGGACTGCTGGGCTAAAAGTCTA-3'